The following is an entry in ClinVar:

ClinVar aggregate classification (germline): Pathogenic. Review status: reviewed by expert panel (3 of 4 stars). 2 submissions from 2 submitters: Pathogenic (1). 1 of the submissions does not count toward it. Last evaluated 2017-12-15.

Conditions:
Familial cancer of breast. Also called: BREAST CANCER, FAMILIAL; Hereditary breast cancer; hereditary breast carcinoma. Identifiers: Orphanet 227535, MedGen C0346153, MONDO:0016419, OMIM 114480. Disease mechanism: loss of function.
Breast-ovarian cancer, familial, susceptibility to, 2 (BROVCA2). Also called: BRCA2 Hereditary Breast and Ovarian Cancer. Identifiers: Orphanet 145, MedGen C2675520, MONDO:0012933, OMIM 612555. Disease mechanism: loss of function.

Submissions (2):

Evidence-based Network for the Interpretation of Germline Mutant Alleles (ENIGMA)
Classification: Pathogenic for Breast-ovarian cancer, familial, susceptibility to, 2. Last evaluated: 2017-12-15. Review status: reviewed by expert panel. Criteria: ENIGMA BRCA1/2 Classification Criteria (2017-06-29). Collection method: curation. Allele origin: germline. Study: ENIGMA.
Comment: Variant allele predicted to encode a truncated non-functional protein.

ClinVar Staff, National Center for Biotechnology Information (NCBI)
No classification provided. Condition: Familial cancer of breast. Review status: no classification provided. Collection method: literature only. Allele origin: germline. Affected: yes. Not counted in ClinVar's aggregate classification.

Literature cited by the submitters: PubMed 21305653 (cited by ClinVar Staff, National Center for Biotechnology Information (NCBI)).

NM_000059.4(BRCA2):c.5131del (p.Tyr1710_Val1711insTer)

Gene: BRCA2 (BRCA2 DNA repair associated; plus strand). Cytogenetic location: 13q13.1.
Variant type: Deletion.
Coding change: c.5131del on transcript NM_000059.4 (MANE Select); coding-DNA position 5131, one base deleted (G; older notation c.5131delG).
Protein change: p.Tyr1710_Val1711insTer.
Molecular consequence: nonsense.
Genome position (GRCh38, 1-based): chr13:32,339,486, G deleted. VCF-style (leftmost placement, unchanged base first): chr13-32339485-TG-T. GRCh37 (hg19) VCF-style: chr13-32913622-TG-T.
Other names: c.5131delG (NM_000059.3).
Identifiers: ClinVar variation 51777 (VCV000051777.3), dbSNP rs397507760, ClinGen allele CA021362.